The following is an entry in ClinVar:

NM_080916.3(DGUOK):c.256-3T>C

Gene: DGUOK (deoxyguanosine kinase; plus strand). Cytogenetic location: 2p13.1.
Variant type: single nucleotide variant.
Coding change: c.256-3T>C on transcript NM_080916.3 (MANE Select); 3 bases into the intron before coding-DNA position 256, T replaced by C.
Molecular consequence: intron variant.
Genome position (GRCh38, 1-based): chr2:73,946,716, T>C. VCF-style: chr2-73946716-T-C. GRCh37 (hg19) VCF-style: chr2-74173843-T-C.
Other names: c.256-3T>C (NM_080916.2, NM_080918.3, NM_001318859.2); c.-36-3T>C (NM_001318861.2, NM_001318862.2, NM_001318860.2 and 1 more transcripts).
Identifiers: ClinVar variation 2119510 (VCV002119510.5), dbSNP rs1682338588, ClinGen allele CA2580068225.

ClinVar aggregate classification (germline): Uncertain significance. Review status: criteria provided, multiple submitters, no conflicts (2 of 4 stars). 2 submissions from 2 submitters: Uncertain significance (2). Last evaluated 2023-08-31.

Submissions (2):

Women's Health and Genetics/Laboratory Corporation of America, LabCorp
Classification: Uncertain significance. Last evaluated: 2023-08-31. Review status: criteria provided, single submitter. Criteria: LabCorp Variant Classification Summary - May 2015. Collection method: clinical testing. Allele origin: germline.
Comment: Variant summary: DGUOK c.256-3T>C alters a conserved nucleotide located close to a canonical splice site and therefore could affect mRNA splicing, leading to a significantly altered protein sequence. Consensus agreement among computation tools predict no significant impact on normal splicing. However, these predictions have yet to be confirmed by functional studies. The variant was absent in 251356 control chromosomes. The available data on variant occurrences in the general population are insufficient to allow any conclusion about variant significance. To our knowledge, no occurrence of c.256-3T>C in individuals affected with DGUOK-Related Disorders and no experimental evidence demonstrating its impact on protein function have been reported. One submitter has cited clinical-significance assessments for this variant to ClinVar after 2014 and has classified the variant as uncertain significance. Based on the evidence outlined above, the variant was classified as uncertain significance.

Labcorp Genetics (formerly Invitae), Labcorp
Classification: Uncertain significance. Last evaluated: 2022-04-21. Review status: criteria provided, single submitter. Criteria: Invitae Variant Classification Sherloc (09022015). Collection method: clinical testing. Allele origin: germline.
Comment: In summary, the available evidence is currently insufficient to determine the role of this variant in disease. Therefore, it has been classified as a Variant of Uncertain Significance. Variants that disrupt the consensus splice site are a relatively common cause of aberrant splicing (PMID: 17576681, 9536098). Algorithms developed to predict the effect of sequence changes on RNA splicing suggest that this variant is not likely to affect RNA splicing. This variant has not been reported in the literature in individuals affected with DGUOK-related conditions. This variant is not present in population databases (gnomAD no frequency). This sequence change falls in intron 2 of the DGUOK gene. It does not directly change the encoded amino acid sequence of the DGUOK protein. It affects a nucleotide within the consensus splice site.

Literature cited by the submitters: PubMed 17576681 (cited by Labcorp Genetics (formerly Invitae), Labcorp); PubMed 9536098 (cited by Labcorp Genetics (formerly Invitae), Labcorp).